The following is an entry in ClinVar:

ClinVar aggregate classification (germline): Uncertain significance (0 of 4 stars; one submission).

Conditions:
ACSS2-related disorder. Also called: ACSS2-related condition.

gnomAD v4.1: 101 of 1,613,770 alleles (0.0063%); highest among the groups gnomAD compares: Non-Finnish European, 0.0078%; no homozygotes.

Submission:

PreventionGenetics, part of Exact Sciences
Classification: Uncertain significance for ACSS2-related condition. Last evaluated: 2024-06-11. Review status: no assertion criteria provided. Collection method: clinical testing. Allele origin: germline.
Comment: The ACSS2 c.2126G>A variant is predicted to result in the amino acid substitution p.Arg709His. To our knowledge, this variant has not been reported in the literature. This variant is reported in 0.012% of alleles in individuals of African descent in gnomAD. At this time, the clinical significance of this variant is uncertain due to the absence of conclusive functional and genetic evidence.

NM_018677.4(ACSS2):c.2087G>A (p.Arg696His)

Gene: ACSS2 (acyl-CoA synthetase short chain family member 2; plus strand). Cytogenetic location: 20q11.22.
Variant type: single nucleotide variant.
Coding change: c.2087G>A on transcript NM_018677.4 (MANE Select); coding-DNA position 2087, G replaced by A.
Protein change: p.Arg696His; replaces arginine 696 with histidine.
Molecular consequence: missense variant.
Genome position (GRCh38, 1-based): chr20:34,927,195, G>A. VCF-style: chr20-34927195-G-A. GRCh37 (hg19) VCF-style: chr20-33514998-G-A.
Other names: c.2126G>A, p.Arg709His (NM_001076552.3); c.1802G>A, p.Arg601His (NM_001242393.2); short protein forms R601H, R696H, R709H.
Identifiers: ClinVar variation 3358459 (VCV003358459.1).
Genomic context (GRCh38, chr20:34,927,195, plus strand): 5'-ACCTCGGGGACATGTCTACTGTGGCTGACCCATCTGTCATCAGTCACCTCTTCAGCCACC[G>A]CTGCCTGACCATCCAGTGAACATGATCCTGACCTTTACCTAGGATTCCTCCTGCTCCAAA-3'
Protein context (NP_061147.1, residues 686-701): PSVISHLFSH[Arg696His]CLTIQ